The following is an entry in ClinVar:

ClinVar aggregate classification (germline): Benign/Likely benign. Review status: criteria provided, multiple submitters, no conflicts (2 of 4 stars). 3 submissions from 3 submitters: Benign (1); Likely benign (2). Last evaluated 2025-06-29.

Conditions:
Hereditary cancer-predisposing syndrome. Also called: Tumor predisposition; Neoplastic Syndromes, Hereditary; Hereditary Cancer Syndrome; Hereditary neoplastic syndrome. Identifiers: Orphanet 140162, MedGen C0027672, MeSH D009386, MONDO:0015356.
Hereditary diffuse gastric adenocarcinoma (HDGC). Also called: DIFFUSE GASTRIC AND LOBULAR BREAST CANCER SYNDROME. Identifiers: Orphanet 26106, MedGen C1708349, MONDO:0007648, OMIM 137215.

Allele frequency attached by ClinVar (database versions not stated): gnomAD exomes below 0.00001; TOPMed 0.00001.
gnomAD v4.1: 1 of 1,614,052 alleles (0.000062%); highest among the groups gnomAD compares: East Asian, 0.0022%; no homozygotes.

Submissions (3):

Labcorp Genetics (formerly Invitae), Labcorp
Classification: Likely benign for Hereditary diffuse gastric adenocarcinoma. Last evaluated: 2025-06-29. Review status: criteria provided, single submitter. Criteria: Invitae Variant Classification Sherloc (09022015). Collection method: clinical testing. Allele origin: germline.

Myriad Genetics, Inc.
Classification: Benign for Hereditary diffuse gastric adenocarcinoma. Last evaluated: 2024-09-16. Review status: criteria provided, single submitter. Criteria: Myriad Autosomal Dominant, Autosomal Recessive and X-Linked Classification Criteria (2023). Collection method: clinical testing. Allele origin: unknown.
Comment: This variant is considered benign. This variant is a silent/synonymous amino acid change and it is not expected to impact splicing.

Ambry Genetics
Classification: Likely benign for Hereditary cancer-predisposing syndrome. Last evaluated: 2017-03-20. Review status: criteria provided, single submitter. Criteria: Ambry Variant Classification Scheme 2023. Collection method: clinical testing. Allele origin: germline.

NM_004360.5(CDH1):c.813C>G (p.Val271=)

Gene: CDH1 (cadherin 1; plus strand). Cytogenetic location: 16q22.1.
Variant type: single nucleotide variant.
Coding change: c.813C>G on transcript NM_004360.5 (MANE Select); coding-DNA position 813, C replaced by G.
Protein change: p.Val271=; no amino-acid change (valine 271 retained).
Molecular consequence: synonymous variant. On other transcripts: 5 prime UTR variant (2).
Genome position (GRCh38, 1-based): chr16:68,810,322, C>G. VCF-style: chr16-68810322-C-G. GRCh37 (hg19) VCF-style: chr16-68844225-C-G.
Other names: c.813C>G (LRG_301t1); c.813C>G, p.Val271= (NM_001317184.2); c.-803C>G (NM_001317185.2); c.-1007C>G (NM_001317186.2).
Identifiers: ClinVar variation 486831 (VCV000486831.9), dbSNP rs1300078492, ClinGen allele CA496152821.